The following is an entry in ClinVar:

NM_006662.3(SRCAP):c.1871T>C (p.Ile624Thr)

Gene: SRCAP (Snf2 related CREBBP activator protein; plus strand). Cytogenetic location: 16p11.2.
Variant type: single nucleotide variant.
Coding change: c.1871T>C on transcript NM_006662.3 (MANE Select); coding-DNA position 1871, T replaced by C.
Protein change: p.Ile624Thr; replaces isoleucine 624 with threonine.
Molecular consequence: missense variant.
Genome position (GRCh38, 1-based): chr16:30,712,317, T>C. VCF-style: chr16-30712317-T-C. GRCh37 (hg19) VCF-style: chr16-30723638-T-C.
Other names: short protein forms I624T.
Identifiers: ClinVar variation 3781163 (VCV003781163.1).
Genomic context (GRCh38, chr16:30,712,317, plus strand): 5'-GACAGGTAAAGACGCCCATTCCCCTGCTTCTGCGGGGCCAGCTCCGGGAGTACCAGCACA[T>C]TGGGCTAGACTGGCTGGTTACCATGTATGAGAAGAAGCTTAATGGCATTCTTGCTGATGA-3'
Protein context (NP_006653.2, residues 614-634): LRGQLREYQH[Ile624Thr]GLDWLVTMYE

ClinVar aggregate classification (germline): Uncertain significance (1 of 4 stars; one submission).

gnomAD v4.1: 1 of 1,611,690 alleles (0.000062%); highest among the groups gnomAD compares: Non-Finnish European, 0.000085%; no homozygotes.

Submission:

GeneDx
Classification: Uncertain significance. Last evaluated: 2024-10-17. Review status: criteria provided, single submitter. Criteria: GeneDx Variant Classification Process June 2021. Collection method: clinical testing. Allele origin: germline. Affected: yes.
Comment: Not observed at significant frequency in large population cohorts (gnomAD); In silico analysis supports that this missense variant has a deleterious effect on protein structure/function; Has not been previously published as pathogenic or benign to our knowledge